The following is an entry in ClinVar:

NM_001160148.2(DDHD1):c.2283G>A (p.Leu761=)

Gene: DDHD1 (DDHD domain containing 1; minus strand). Cytogenetic location: 14q22.1.
Variant type: single nucleotide variant.
Coding change: c.2283G>A on transcript NM_001160148.2 (MANE Select); coding-DNA position 2283, G replaced by A.
Protein change: p.Leu761=; no amino-acid change (leucine 761 retained).
Molecular consequence: synonymous variant.
Genome position (GRCh38, 1-based): chr14:53,054,592, C>T on the plus strand (G>A on the coding strand, the complement: DDHD1 is on the minus strand). VCF-style: chr14-53054592-C-T. GRCh37 (hg19) VCF-style: chr14-53521310-C-T.
Other names: p.Leu768=; c.2304G>A, p.Leu768= (NM_001160147.2); c.2283G>A, p.Leu761= (NM_030637.3).
Identifiers: ClinVar variation 1974950 (VCV001974950.6), dbSNP rs1328845748, ClinGen allele CA486427343.

ClinVar aggregate classification (germline): Likely benign. Review status: criteria provided, multiple submitters, no conflicts (2 of 4 stars). 2 submissions from 2 submitters: Likely benign (2). Last evaluated 2025-05-20.

Conditions:
Hereditary spastic paraplegia 28. Also called: Spastic paraplegia 28, autosomal recessive. Identifiers: Orphanet 101008, MedGen C1836295, MONDO:0012256, OMIM 609340.

Allele frequency attached by ClinVar (database versions not stated): gnomAD 0.00001; TOPMed 0.00001.
gnomAD v4.1: 2 of 1,613,932 alleles (0.00012%); highest among the groups gnomAD compares: Non-Finnish European, 0.00017%; no homozygotes.

Submissions (2):

Mayo Clinic Laboratories, Mayo Clinic
Classification: Likely benign. Last evaluated: 2025-05-20. Review status: criteria provided, single submitter. Criteria: ACMG Guidelines, 2015. Collection method: clinical testing. Allele origin: germline. Observed: 1 variant allele.
Comment: BP4, BP7

Labcorp Genetics (formerly Invitae), Labcorp
Classification: Likely benign for Hereditary spastic paraplegia 28. Last evaluated: 2022-05-02. Review status: criteria provided, single submitter. Criteria: Invitae Variant Classification Sherloc (09022015). Collection method: clinical testing. Allele origin: germline.